The following is an entry in ClinVar:

NM_004370.6(COL12A1):c.3810G>A (p.Pro1270=)

Gene: COL12A1 (collagen type XII alpha 1 chain; minus strand). Cytogenetic location: 6q13.
Variant type: single nucleotide variant.
Coding change: c.3810G>A on transcript NM_004370.6 (MANE Select); coding-DNA position 3810, G replaced by A.
Protein change: p.Pro1270=; no amino-acid change (proline 1270 retained).
Molecular consequence: synonymous variant.
Genome position (GRCh38, 1-based): chr6:75,152,156, C>T on the plus strand (G>A on the coding strand, the complement: COL12A1 is on the minus strand). VCF-style: chr6-75152156-C-T. GRCh37 (hg19) VCF-style: chr6-75861872-C-T.
Other names: p.Pro1270=; c.318G>A, p.Pro106= (NM_080645.3).
Identifiers: ClinVar variation 542507 (VCV000542507.12), dbSNP rs370675782, ClinGen allele CA3893617.

ClinVar aggregate classification (germline): Likely benign. Review status: criteria provided, multiple submitters, no conflicts (2 of 4 stars). 2 submissions from 2 submitters: Likely benign (2). Last evaluated 2025-11-21.

Conditions:
Ullrich congenital muscular dystrophy 2 (UCMD2). Identifiers: Orphanet 75840, MedGen C4225314, MONDO:0014654, OMIM 616470.
Bethlem myopathy 2 (BTHLM2). Identifiers: Orphanet 536516, Orphanet 610, MedGen C4225313, MONDO:0034022, OMIM 616471.

Allele frequency attached by ClinVar (database versions not stated): TOPMed 0.00007; gnomAD exomes 0.00010 and 0.00005; gnomAD 0.00002 and 0.00001; ExAC 0.00012; ESP Exome Variant Server 0.00008.
gnomAD v4.1: 74 of 1,613,704 alleles (0.0046%); highest among the groups gnomAD compares: East Asian, 0.15%; 1 homozygote.

Submissions (2):

Mayo Clinic Laboratories, Mayo Clinic
Classification: Likely benign. Last evaluated: 2025-11-21. Review status: criteria provided, single submitter. Criteria: ACMG Guidelines, 2015. Collection method: clinical testing. Allele origin: germline. Observed: 1 variant allele.
Comment: BS1, BP4, BP7

Labcorp Genetics (formerly Invitae), Labcorp
Classification: Likely benign for Bethlem myopathy 2; Ullrich congenital muscular dystrophy 2. Last evaluated: 2025-07-23. Review status: criteria provided, single submitter. Criteria: Invitae Variant Classification Sherloc (09022015). Collection method: clinical testing. Allele origin: germline.